The following is an entry in ClinVar:

ClinVar aggregate classification (germline): Uncertain significance. Review status: reviewed by expert panel (3 of 4 stars). 4 submissions from 4 submitters: Uncertain significance (1). 3 of the submissions do not count toward it. Last evaluated 2026-04-20.

Conditions:
Deficiency of guanidinoacetate methyltransferase (CCDS2). Also called: GAMT DEFICIENCY; Guanidinoacetate Methyltransferase (GAMT) Deficiency; CEREBRAL CREATINE DEFICIENCY SYNDROME 2. Identifiers: Orphanet 382, MedGen C0574080, MONDO:0012999, OMIM 612736.
Cerebral creatine deficiency syndrome. Also called: Creatine deficiency syndromes. Identifiers: Orphanet 79172, MedGen C5244016, MONDO:0000456.
Inborn genetic diseases. Identifiers: MedGen C0950123, MeSH D030342.

Allele frequency attached by ClinVar (database versions not stated): ExAC 0.00004; gnomAD 0.00001; gnomAD exomes 0.00001; 1000 Genomes Project 0.00020; 1000 Genomes Project 30x 0.00031; TOPMed 0.00001.
gnomAD v4.1: 21 of 1,611,398 alleles (0.0013%); highest among the groups gnomAD compares: East Asian, 0.04%; no homozygotes.

Submissions (4):

ClinGen Cerebral Creatine Deficiency Syndromes Variant Curation Expert Panel, ClinGen
Classification: Uncertain significance for Deficiency of guanidinoacetate methyltransferase. Last evaluated: 2026-04-20. Review status: reviewed by expert panel. Criteria: ClinGen CCDS ACMG Specifications GAMT V2.0.0. Collection method: curation. Allele origin: germline. Inheritance: Autosomal recessive inheritance.
Comment: The NM_000156.6:c.705A>T variant in GAMT is a missense variant that is predicted to cause the substitution of a lysine by an asparagine at amino acid position 235 (p.Lys235Asn). To our knowledge, this variant has not been reported in the literature and results of functional studies are unavailable. The highest population minor allele frequency in gnomAD v4.1.0. is 0.0004016 (18/44822 alleles) in the East Asian population (none of the population data codes are met). The computational predictor REVEL gives a score of 0.342 which is neither above nor below the thresholds predicting a damaging (>0.644) or benign (<0.29) impact on GAMT function. There is a ClinVar entry for this variant (Variation ID: 2137773). In summary, this variant meets the criteria to be classified as a variant of uncertain significance for GAMT deficiency. GAMT-specific ACMG/AMP codes met, as specified by the ClinGen Cerebral Creatine Deficiency Syndromes VCEP (Specifications Version 2.0.0): no criteria met. (Classification approved by the ClinGen Creatine Deficiency Syndromes Variant Curation Expert Panel on April 20, 2026).

Labcorp Genetics (formerly Invitae), Labcorp
Classification: Likely benign for Cerebral creatine deficiency syndrome. Last evaluated: 2025-07-20. Review status: criteria provided, single submitter. Criteria: Invitae Variant Classification Sherloc (09022015). Collection method: clinical testing. Allele origin: germline. Not counted in ClinVar's aggregate classification.

Ambry Genetics
Classification: Uncertain significance for Inborn genetic diseases. Last evaluated: 2024-02-05. Review status: criteria provided, single submitter. Criteria: Ambry Variant Classification Scheme 2023. Collection method: clinical testing. Allele origin: germline. Not counted in ClinVar's aggregate classification.

Fulgent Genetics
Classification: Uncertain significance for Deficiency of guanidinoacetate methyltransferase. Last evaluated: 2023-12-22. Review status: criteria provided, single submitter. Criteria: ACMG Guidelines, 2015. Collection method: clinical testing. Allele origin: germline. Not counted in ClinVar's aggregate classification.

NM_000156.6(GAMT):c.705A>T (p.Lys235Asn)

Gene: GAMT (guanidinoacetate N-methyltransferase; minus strand). Cytogenetic location: 19p13.3.
Variant type: single nucleotide variant.
Coding change: c.705A>T on transcript NM_000156.6 (MANE Select); coding-DNA position 705, A replaced by T.
Protein change: p.Lys235Asn; replaces lysine 235 with asparagine.
Molecular consequence: missense variant.
Genome position (GRCh38, 1-based): chr19:1,397,365, T>A on the plus strand (A>T on the coding strand, the complement: GAMT is on the minus strand). VCF-style: chr19-1397365-T-A. GRCh37 (hg19) VCF-style: chr19-1397364-T-A.
Other names: NM_000156.6(GAMT):c.705A>T; p.Lys235Asn; c.705A>T (NM_000156.5); short protein forms K235N.
Identifiers: ClinVar variation 2137773 (VCV002137773.8), dbSNP rs199932947, ClinGen allele CA9043527.